The following is an entry in ClinVar:

ClinVar aggregate classification (germline): Pathogenic (1 of 4 stars; one submission).

Conditions:
Cardiomyopathy (CMYO). Also called: Cardiomyopathies. Identifiers: Orphanet 167848, MedGen C0878544, MONDO:0004994, HP:0001638. Inheritance: Various modes of inheritance.

Submission:

Color Diagnostics, LLC DBA Color Health
Classification: Pathogenic for Cardiomyopathy. Last evaluated: 2022-07-06. Review status: criteria provided, single submitter. Criteria: ACMG Guidelines, 2015. Collection method: clinical testing. Allele origin: germline.
Comment: This variant deletes 32 nucleotides in exon 9 of the PKP2 gene, creating a frameshift and premature translation stop signal. This variant is expected to result in an absent or non-functional protein product. To our knowledge, this variant has not been reported in individuals affected with cardiovascular disorders in the literature. This variant has not been identified in the general population by the Genome Aggregation Database (gnomAD). Loss of PKP2 function is a known mechanism of disease. Based on the available evidence, this variant is classified as Pathogenic.

NM_001005242.3(PKP2):c.1697_1728del (p.Ile566fs)

Gene: PKP2 (plakophilin 2; minus strand). Cytogenetic location: 12p11.21.
Variant type: Deletion.
Coding change: c.1697_1728del on transcript NM_001005242.3 (MANE Select); coding-DNA positions 1697 to 1728, 32 bases deleted.
Protein change: p.Ile566fs; shifts the reading frame from isoleucine 566.
Molecular consequence: frameshift variant. On other transcripts: intron variant (1).
Genome position (GRCh38, 1-based): chr12:32,822,578-32,822,609, 32 bases deleted; deleting any 32 consecutive bases within chr12:32,822,578-32,822,612 gives the same sequence; the c. name uses the placement nearest the transcript's 3' end. GRCh37 (hg19): chr12:32,975,515-32,975,546.
Other names: c.1697_1728del, p.Ile566fs (NM_001407155.1, NM_001407161.1); c.1829_1860del, p.Ile610fs (NM_001407157.1, NM_004572.4); c.1370_1401del, p.Ile457fs (NM_001407158.1, NM_001407159.1, NM_001407160.1 and 1 more transcripts); c.1675-1080_1675-1049del (NM_001407156.1); short protein forms I610fs, I457fs, I566fs.
Identifiers: ClinVar variation 2774088 (VCV002774088.2), dbSNP rs2541231907, ClinGen allele CA2697559157.